The following is an entry in ClinVar:

ClinVar aggregate classification (germline): Uncertain significance (1 of 4 stars; one submission).

Submission:

Labcorp Genetics (formerly Invitae), Labcorp
Classification: Uncertain significance. Last evaluated: 2023-12-18. Review status: criteria provided, single submitter. Criteria: Invitae Variant Classification Sherloc (09022015). Collection method: clinical testing. Allele origin: germline.
Comment: This variant, c.452_463dup, results in the insertion of 4 amino acid(s) of the CTF1 protein (p.Arg151_Pro154dup), but otherwise preserves the integrity of the reading frame. The frequency data for this variant in the population databases is considered unreliable, as metrics indicate insufficient coverage at this position in the gnomAD database. This variant has not been reported in the literature in individuals affected with CTF1-related conditions. In summary, the available evidence is currently insufficient to determine the role of this variant in disease. Therefore, it has been classified as a Variant of Uncertain Significance.

NM_001330.5(CTF1):c.452_463dup (p.Pro154_Pro155insArgAlaGluPro)

Genes: CTF1 (cardiotrophin 1; plus strand), LOC130058878 (ATAC-STARR-seq lymphoblastoid silent region 7400; plus strand). Cytogenetic location: 16p11.2.
Variant type: Duplication.
Coding change: c.452_463dup on transcript NM_001330.5 (MANE Select); coding-DNA positions 452 to 463, 12 bases duplicated (GGGCCGAGCCCC).
Protein change: p.Pro154_Pro155insArgAlaGluPro.
Molecular consequence: inframe insertion. On other transcripts: non-coding transcript variant (1).
Genome position (GRCh38, 1-based): chr16:30,902,385-30,902,396, GGGCCGAGCCCC duplicated; duplicating any 12 consecutive bases within chr16:30,902,380-30,902,396 gives the same sequence; the c. name uses the placement nearest the transcript's 3' end. VCF-style (leftmost placement, unchanged base first): chr16-30902379-G-GGCCCCGGGCCGA. GRCh37 (hg19) VCF-style: chr16-30913700-G-GGCCCCGGGCCGA.
Other names: c.449_460dup, p.Pro153_Pro154insArgAlaGluPro (NM_001142544.3).
Identifiers: ClinVar variation 2836105 (VCV002836105.3), dbSNP rs2055410604, ClinGen allele CA2216765137.
Genomic context (GRCh38, chr16:30,902,379, plus strand): 5'-CCCGGGCCCTGGGCGCCGCCGTGGAGGCCTTGCTGGCCGCGCTGGGCGCCGCCAACCGCG[G>GGCCCCGGGCCGA]GCCCCGGGCCGAGCCCCCCGCCGCCACCGCCTCAGCCGCCTCCGCCACCGGGGTCTTCCC-3'